The following is an entry in ClinVar:

ClinVar aggregate classification (germline): Pathogenic (1 of 4 stars; one submission).

Conditions:
Multiple congenital exostosis (EXT). Also called: MULTIPLE CARTILAGINOUS EXOSTOSES; Hereditary multiple osteochondromas; Multiple osteochondromas; Hereditary multiple exostoses; Hereditary multiple exostosis; Multiple exostoses. Identifiers: Orphanet 321, MedGen C0015306, MONDO:0005508, HP:0002762.

Submission:

Labcorp Genetics (formerly Invitae), Labcorp
Classification: Pathogenic for Multiple congenital exostosis. Last evaluated: 2023-11-14. Review status: criteria provided, single submitter. Criteria: Invitae Variant Classification Sherloc (09022015). Collection method: clinical testing. Allele origin: germline.
Comment: This sequence change creates a premature translational stop signal (p.Tyr634Trpfs*10) in the EXT1 gene. It is expected to result in an absent or disrupted protein product. Loss-of-function variants in EXT1 are known to be pathogenic (PMID: 10679937, 11391482, 19810120). This variant is not present in population databases (gnomAD no frequency). This variant has not been reported in the literature in individuals affected with EXT1-related conditions. For these reasons, this variant has been classified as Pathogenic.

Literature cited by the submitters: PubMed 10679937; PubMed 11391482; PubMed 19810120.

NM_000127.3(EXT1):c.1900_1901insGG (p.Tyr634fs)

Gene: EXT1 (exostosin glycosyltransferase 1; minus strand). Cytogenetic location: 8q24.11.
Variant type: Insertion.
Coding change: c.1900_1901insGG on transcript NM_000127.3 (MANE Select); coding-DNA positions 1900 to 1901, GG inserted.
Protein change: p.Tyr634fs; shifts the reading frame from tyrosine 634.
Molecular consequence: frameshift variant.
Genome position: GRCh38 VCF-style: chr8-117804876-T-TCC. GRCh37 (hg19) VCF-style: chr8-118817115-T-TCC.
Other names: short protein forms Y634fs.
Identifiers: ClinVar variation 2755200 (VCV002755200.3), dbSNP rs2488085680, ClinGen allele CA2697550114.